The following is an entry in ClinVar:

ClinVar aggregate classification (germline): Uncertain significance (1 of 4 stars; one submission).

Conditions:
Developmental and epileptic encephalopathy, 23 (DEE23). Also called: Epileptic encephalopathy, early infantile, 23. Identifiers: Orphanet 411986, MedGen C4014492, MONDO:0014371, OMIM 615859.

Submission:

Labcorp Genetics (formerly Invitae), Labcorp
Classification: Uncertain significance for Developmental and epileptic encephalopathy, 23. Last evaluated: 2018-11-03. Review status: criteria provided, single submitter. Criteria: Invitae Variant Classification Sherloc (09022015). Collection method: clinical testing. Allele origin: germline.
Comment: Algorithms developed to predict the effect of missense changes on protein structure and function do not agree on the potential impact of this missense change (SIFT: "Tolerated"; PolyPhen-2: "Possibly Damaging"; Align-GVGD: "Class C0"). This variant has not been reported in the literature in individuals with DOCK7-related disease. This variant is not present in population databases (ExAC no frequency). This sequence change replaces aspartic acid with glycine at codon 123 of the DOCK7 protein (p.Asp123Gly). The aspartic acid residue is moderately conserved and there is a moderate physicochemical difference between aspartic acid and glycine. In summary, the available evidence is currently insufficient to determine the role of this variant in disease. Therefore, it has been classified as a Variant of Uncertain Significance.

NM_001367561.1(DOCK7):c.368A>G (p.Asp123Gly)

Gene: DOCK7 (dedicator of cytokinesis 7; minus strand). Cytogenetic location: 1p31.3.
Variant type: single nucleotide variant.
Coding change: c.368A>G on transcript NM_001367561.1 (MANE Select); coding-DNA position 368, A replaced by G.
Protein change: p.Asp123Gly; replaces aspartic acid 123 with glycine.
Molecular consequence: missense variant.
Genome position (GRCh38, 1-based): chr1:62,653,746, T>C on the plus strand (A>G on the coding strand, the complement: DOCK7 is on the minus strand). VCF-style: chr1-62653746-T-C. GRCh37 (hg19) VCF-style: chr1-63119417-T-C.
Other names: c.368A>G, p.Asp123Gly (NM_001271999.2, NM_001272000.2, NM_001272001.2 and 3 more transcripts); short protein forms D123G.
Identifiers: ClinVar variation 541917 (VCV000541917.9), dbSNP rs1553197429, ClinGen allele CA340703787.